The following is an entry in ClinVar:

NM_017617.5(NOTCH1):c.7402C>A (p.Leu2468Met)

Gene: NOTCH1 (notch receptor 1; minus strand). Cytogenetic location: 9q34.3.
Variant type: single nucleotide variant.
Coding change: c.7402C>A on transcript NM_017617.5 (MANE Select); coding-DNA position 7402, C replaced by A.
Protein change: p.Leu2468Met; replaces leucine 2468 with methionine.
Molecular consequence: missense variant.
Genome position (GRCh38, 1-based): chr9:136,496,337, G>T on the plus strand (C>A on the coding strand, the complement: NOTCH1 is on the minus strand). VCF-style: chr9-136496337-G-T. GRCh37 (hg19) VCF-style: chr9-139390789-G-T.
Other names: short protein forms L2468M.
Identifiers: ClinVar variation 1472062 (VCV001472062.8), dbSNP rs2133315021, ClinGen allele CA375626504.
Genomic context (GRCh38, chr9:136,496,337, plus strand): 5'-GCTGCGAGGGGGGCGTCAGGAACTGGGCTGCGGTCACGGGTGGGACCAGCGAGGATGGCA[G>T]CGACGTGGGCAGGGCGGGGCTCTCCTGGGGCAGAATAGTGTGCACCGCCAGGCTGCTGGG-3'
Protein context (NP_060087.3, residues 2458-2478): PQESPALPTS[Leu2468Met]PSSLVPPVTA

ClinVar aggregate classification (germline): Uncertain significance (1 of 4 stars; one submission).

Conditions:
Adams-Oliver syndrome 5 (AOS5). Identifiers: Orphanet 974, MedGen C4014970, MONDO:0014459, OMIM 616028.

Submission:

Labcorp Genetics (formerly Invitae), Labcorp
Classification: Uncertain significance for Adams-Oliver syndrome 5. Last evaluated: 2021-03-07. Review status: criteria provided, single submitter. Criteria: Invitae Variant Classification Sherloc (09022015). Collection method: clinical testing. Allele origin: germline.
Comment: In summary, the available evidence is currently insufficient to determine the role of this variant in disease. Therefore, it has been classified as a Variant of Uncertain Significance. This variant has not been reported in the literature in individuals with NOTCH1-related conditions. Advanced modeling of protein sequence and biophysical properties (such as structural, functional, and spatial information, amino acid conservation, physicochemical variation, residue mobility, and thermodynamic stability) performed at Invitae indicates that this missense variant is not expected to disrupt NOTCH1 protein function. This variant is not present in population databases (ExAC no frequency). This sequence change replaces leucine with methionine at codon 2468 of the NOTCH1 protein (p.Leu2468Met). The leucine residue is highly conserved and there is a small physicochemical difference between leucine and methionine.